The following is an entry in ClinVar:

NM_145207.3(AFG2A):c.1379C>T (p.Pro460Leu)

Gene: AFG2A (AFG2 AAA ATPase homolog A; plus strand). Cytogenetic location: 4q28.1.
Variant type: single nucleotide variant.
Coding change: c.1379C>T on transcript NM_145207.3 (MANE Select); coding-DNA position 1379, C replaced by T.
Protein change: p.Pro460Leu; replaces proline 460 with leucine.
Molecular consequence: missense variant.
Genome position (GRCh38, 1-based): chr4:122,938,170, C>T. VCF-style: chr4-122938170-C-T. GRCh37 (hg19) VCF-style: chr4-123859325-C-T.
Other names: c.1376C>T, p.Pro459Leu (NM_001317799.2, NM_001345856.2); short protein forms P460L, P459L.
Identifiers: ClinVar variation 658313 (VCV000658313.3), dbSNP rs752448565, ClinGen allele CA3070445.

ClinVar aggregate classification (germline): Uncertain significance (1 of 4 stars; one submission).

Conditions:
Microcephaly-intellectual disability-sensorineural hearing loss-epilepsy-abnormal muscle tone syndrome (NEDHSB). Also called: NEURODEVELOPMENTAL DISORDER WITH HEARING LOSS, SEIZURES, AND BRAIN ABNORMALITIES. Identifiers: Orphanet 457351, MedGen C4225276, MONDO:0014698, OMIM 616577.

Allele frequency attached by ClinVar (database versions not stated): TOPMed below 0.00001; ExAC 0.00002; gnomAD exomes 0.00002 and 0.00003.
gnomAD v4.1: 41 of 1,608,336 alleles (0.0025%); highest among the groups gnomAD compares: East Asian, 0.009%; no homozygotes.

Submission:

Labcorp Genetics (formerly Invitae), Labcorp
Classification: Uncertain significance for Microcephaly-intellectual disability-sensorineural hearing loss-epilepsy-abnormal muscle tone syndrome. Last evaluated: 2022-08-10. Review status: criteria provided, single submitter. Criteria: Invitae Variant Classification Sherloc (09022015). Collection method: clinical testing. Allele origin: germline.
Comment: This sequence change replaces proline, which is neutral and non-polar, with leucine, which is neutral and non-polar, at codon 460 of the SPATA5 protein (p.Pro460Leu). This variant is present in population databases (rs752448565, gnomAD 0.006%). This variant has not been reported in the literature in individuals affected with SPATA5-related conditions. ClinVar contains an entry for this variant (Variation ID: 658313). Advanced modeling of protein sequence and biophysical properties (such as structural, functional, and spatial information, amino acid conservation, physicochemical variation, residue mobility, and thermodynamic stability) performed at Invitae indicates that this missense variant is expected to disrupt SPATA5 protein function. In summary, the available evidence is currently insufficient to determine the role of this variant in disease. Therefore, it has been classified as a Variant of Uncertain Significance.